The following is an entry in ClinVar:

NM_003334.4(UBA1):c.241C>T (p.Arg81Trp)

Genes: UBA1 (ubiquitin like modifier activating enzyme 1; plus strand), LOC126863253 (CDK7 strongly-dependent group 2 enhancer GRCh37_chrX:47057593-47058792; plus strand). Cytogenetic location: Xp11.3.
Variant type: single nucleotide variant.
Coding change: c.241C>T on transcript NM_003334.4 (MANE Select); coding-DNA position 241, C replaced by T.
Protein change: p.Arg81Trp; replaces arginine 81 with tryptophan.
Molecular consequence: missense variant.
Genome position (GRCh38, 1-based): chrX:47,199,273, C>T. VCF-style: chrX-47199273-C-T. GRCh37 (hg19) VCF-style: chrX-47058672-C-T.
Other names: c.241C>T, p.Arg81Trp (NM_153280.3); short protein forms R81W.
Identifiers: ClinVar variation 1006955 (VCV001006955.9), dbSNP rs1168231329, ClinGen allele CA412787484.

ClinVar aggregate classification (germline): Uncertain significance (1 of 4 stars; one submission).

Conditions:
Infantile-onset X-linked spinal muscular atrophy. Also called: Spinal Muscular Atrophy, X-Linked Infantile; SPINAL MUSCULAR ATROPHY, X-LINKED LETHAL INFANTILE; AMC, DISTAL, X-LINKED; ARTHROGRYPOSIS, X-LINKED, TYPE I; Spinal muscular atrophy, X-linked 2. Identifiers: Orphanet 1145, MedGen C1844934, MONDO:0010532, OMIM 301830.

Allele frequency attached by ClinVar (database versions not stated): gnomAD exomes below 0.00001; TOPMed 0.00001; gnomAD 0.00002.
gnomAD v4.1: 5 of 1,210,448 alleles (0.00041%); highest among the groups gnomAD compares: African/African-American, 0.0035%; no homozygotes.

Submission:

Labcorp Genetics (formerly Invitae), Labcorp
Classification: Uncertain significance for Infantile-onset X-linked spinal muscular atrophy. Last evaluated: 2020-08-06. Review status: criteria provided, single submitter. Criteria: Invitae Variant Classification Sherloc (09022015). Collection method: clinical testing. Allele origin: germline.
Comment: In summary, the available evidence is currently insufficient to determine the role of this variant in disease. Therefore, it has been classified as a Variant of Uncertain Significance. Algorithms developed to predict the effect of missense changes on protein structure and function are either unavailable or do not agree on the potential impact of this missense change (SIFT: "Deleterious"; PolyPhen-2: "Possibly Damaging"; Align-GVGD: "Class C0"). This variant has not been reported in the literature in individuals with UBA1-related conditions. This variant is not present in population databases (ExAC no frequency). This sequence change replaces arginine with tryptophan at codon 81 of the UBA1 protein (p.Arg81Trp). The arginine residue is weakly conserved and there is a moderate physicochemical difference between arginine and tryptophan.